The following is an entry in ClinVar:

NM_004415.4(DSP):c.64T>C (p.Ser22Pro)

Genes: DSP (desmoplakin; plus strand), DSP-AS1 (DSP antisense RNA 1; minus strand). Cytogenetic location: 6p24.3.
Variant type: single nucleotide variant.
Coding change: c.64T>C on transcript NM_004415.4 (MANE Select); coding-DNA position 64, T replaced by C.
Protein change: p.Ser22Pro; replaces serine 22 with proline.
Molecular consequence: missense variant.
Genome position (GRCh38, 1-based): chr6:7,541,979, T>C. VCF-style: chr6-7541979-T-C. GRCh37 (hg19) VCF-style: chr6-7542212-T-C.
Other names: c.64T>C, p.Ser22Pro (NM_001008844.3, NM_001319034.2); short protein forms S22P.
Identifiers: ClinVar variation 1475044 (VCV001475044.8), dbSNP rs2113628752, ClinGen allele CA362675643.
Genomic context (GRCh38, chr6:7,541,979, plus strand): 5'-AGCTGCAACGGAGGCTCCCACCCGCGGATCAACACTCTGGGCCGCATGATCCGCGCCGAG[T>C]CTGGCCCGGACCTGCGCTACGAGGTGACCAGCGGCGGCGGGGGCACCAGCAGGATGTACT-3'
Protein context (NP_004406.2, residues 12-32): NTLGRMIRAE[Ser22Pro]GPDLRYEVTS

ClinVar aggregate classification (germline): Uncertain significance (1 of 4 stars; one submission).

Conditions:
Arrhythmogenic cardiomyopathy with wooly hair and keratoderma. Also called: Carvajal syndrome; Arrhythmogenic cardiomyopathy with woolly hair and keratoderma; Dilated cardiomyopathy with woolly hair and keratoderma; PALMOPLANTAR KERATODERMA WITH LEFT VENTRICULAR CARDIOMYOPATHY AND WOOLLY HAIR. Identifiers: Orphanet 65282, MedGen C1854063, MONDO:0011581, OMIM 605676.
Arrhythmogenic right ventricular dysplasia 8 (ARVD8). Also called: ARRHYTHMOGENIC RIGHT VENTRICULAR DYSPLASIA, FAMILIAL, 8; Arrhythmogenic Right Ventricular Dysplasia/Cardiomyopathy 8; ARRHYTHMOGENIC RIGHT VENTRICULAR CARDIOMYOPATHY 8. Identifiers: MedGen C1843896, MONDO:0011831, OMIM 607450.

Submission:

Labcorp Genetics (formerly Invitae), Labcorp
Classification: Uncertain significance for Arrhythmogenic cardiomyopathy with wooly hair and keratoderma; Arrhythmogenic right ventricular dysplasia 8. Last evaluated: 2024-02-24. Review status: criteria provided, single submitter. Criteria: Invitae Variant Classification Sherloc (09022015). Collection method: clinical testing. Allele origin: germline.
Comment: This sequence change replaces serine, which is neutral and polar, with proline, which is neutral and non-polar, at codon 22 of the DSP protein (p.Ser22Pro). This variant is not present in population databases (gnomAD no frequency). This variant has not been reported in the literature in individuals affected with DSP-related conditions. ClinVar contains an entry for this variant (Variation ID: 1475044). An algorithm developed to predict the effect of missense changes on protein structure and function (PolyPhen-2) suggests that this variant is likely to be disruptive. In summary, the available evidence is currently insufficient to determine the role of this variant in disease. Therefore, it has been classified as a Variant of Uncertain Significance.